The following is an entry in ClinVar:

ClinVar aggregate classification (germline): Uncertain significance (1 of 4 stars; one submission).

Conditions:
Arrhythmogenic right ventricular dysplasia 9 (ARVD9). Also called: ARRHYTHMOGENIC RIGHT VENTRICULAR DYSPLASIA, FAMILIAL, 9; Arrhythmogenic Right Ventricular Dysplasia/Cardiomyopathy 9. Identifiers: MedGen C1836906, MONDO:0012180, OMIM 609040.

Submission:

Dasa
Classification: Uncertain significance for Arrhythmogenic right ventricular dysplasia 9. Last evaluated: 2025-08-14. Review status: criteria provided, single submitter. Criteria: DASA Assertion Criteria. Collection method: clinical testing. Allele origin: germline.
Comment: NM_001005242.3(PKP2):c.2432_2433dup (p.Ala812Metfs*76) is a frameshift variant in PKP2 predicted to alter the reading frame and introduce a premature termination codon and is predicted to result in an absent or altered protein product. This variant is absent from population databases. The currently available literature and clinical evidence are not sufficient to establish a definitive association between this variant and the reported condition. Therefore, this variant is classified as a variant of uncertain significance.

NM_001005242.3(PKP2):c.2432_2433dup (p.Ala812fs)

Gene: PKP2 (plakophilin 2; minus strand). Cytogenetic location: 12p11.21.
Variant type: Duplication.
Coding change: c.2432_2433dup on transcript NM_001005242.3 (MANE Select); coding-DNA positions 2432 to 2433, 2 bases duplicated (AT; older notation c.2432_2433dupAT).
Protein change: p.Ala812fs; shifts the reading frame from alanine 812.
Molecular consequence: frameshift variant.
Genome position (GRCh38, 1-based): chr12:32,792,656-32,792,657, AT duplicated on the plus strand (AT on the coding strand, the reverse complement: PKP2 is on the minus strand). VCF-style (leftmost placement, unchanged base first): chr12-32792655-C-CAT. GRCh37 (hg19) VCF-style: chr12-32945589-C-CAT.
Other names: c.2242_2243dup, p.Met748fs (NM_001407155.1); c.2267_2268dup, p.Ala757fs (NM_001407156.1); c.2105_2106dup, p.Ala703fs (NM_001407158.1, NM_001407159.1); c.1915_1916dup, p.Met639fs (NM_001407160.1); c.2564_2565dup, p.Ala856fs (NM_004572.4); short protein forms A703fs, A757fs, A812fs, A856fs, M639fs, M748fs.
Identifiers: ClinVar variation 4883980 (VCV004883980.2).
Genomic context (GRCh38, chr12:32,792,655, plus strand): 5'-TATTACCTGGCTCTGTTAACTATGACACATTCCTTGTTCATGTTCTTACCTTCTTGTAGG[C>CAT]ATGATGCAGTTCCGTGTGTGCCCACAGAGAATACAGAAGGACGGAAGCAGCTTTACTTGC-3'